The following is an entry in ClinVar:

ClinVar aggregate classification (germline): Benign. Review status: criteria provided, multiple submitters, no conflicts (2 of 4 stars). 2 submissions from 2 submitters: Benign (2). Last evaluated 2018-06-14.

Allele frequency attached by ClinVar (database versions not stated): gnomAD 0.04863 and 0.05183; TOPMed 0.05417; 1000 Genomes Project 0.05591; 1000 Genomes Project 30x 0.05840.
gnomAD v4.1: 7,074 of 147,056 alleles (4.8%); highest among the groups gnomAD compares: African/African-American, 17%; 561 homozygotes.

Submissions (2):

GeneDx
Classification: Benign. Last evaluated: 2018-06-14. Review status: criteria provided, single submitter. Criteria: GeneDx Variant Classification (06012015). Collection method: clinical testing. Allele origin: germline. Affected: yes.
Comment: This variant is considered likely benign or benign based on one or more of the following criteria: it is a conservative change, it occurs at a poorly conserved position in the protein, it is predicted to be benign by multiple in silico algorithms, and/or has population frequency not consistent with disease.

Breakthrough Genomics
Classification: Benign. Review status: criteria provided, single submitter. Criteria: ACMG Guidelines, 2015. Collection method: not provided. Allele origin: germline. Inheritance: Unknown mechanism. Affected: yes.

NM_000748.3(CHRNB2):c.366-159A>G

Gene: CHRNB2 (cholinergic receptor nicotinic beta 2 subunit; plus strand). Cytogenetic location: 1q21.3.
Variant type: single nucleotide variant.
Coding change: c.366-159A>G on transcript NM_000748.3 (MANE Select); 159 bases into the intron before coding-DNA position 366, A replaced by G.
Molecular consequence: intron variant.
Genome position (GRCh38, 1-based): chr1:154,571,030, A>G. VCF-style: chr1-154571030-A-G. GRCh37 (hg19) VCF-style: chr1-154543506-A-G.
Identifiers: ClinVar variation 679146 (VCV000679146.2), dbSNP rs79823873, ClinGen allele CA30833919.